The following is an entry in ClinVar:

NM_001297.5(CNGB1):c.199G>A (p.Ala67Thr)

Gene: CNGB1 (cyclic nucleotide gated channel subunit beta 1; minus strand). Cytogenetic location: 16q21.
Variant type: single nucleotide variant.
Coding change: c.199G>A on transcript NM_001297.5 (MANE Select); coding-DNA position 199, G replaced by A.
Protein change: p.Ala67Thr; replaces alanine 67 with threonine.
Molecular consequence: missense variant.
Genome position (GRCh38, 1-based): chr16:57,964,505, C>T on the plus strand (G>A on the coding strand, the complement: CNGB1 is on the minus strand). VCF-style: chr16-57964505-C-T. GRCh37 (hg19) VCF-style: chr16-57998409-C-T.
Other names: c.199G>A, p.Ala67Thr (NM_001135639.2, NM_001286130.2); short protein forms A67T.
Identifiers: ClinVar variation 1957053 (VCV001957053.2), dbSNP rs779465798, ClinGen allele CA8083962.

ClinVar aggregate classification (germline): Uncertain significance (1 of 4 stars; one submission).

Allele frequency attached by ClinVar (database versions not stated): ExAC 0.00001; gnomAD 0.00001; gnomAD exomes 0.00001; TOPMed 0.00002.
gnomAD v4.1: 10 of 1,614,044 alleles (0.00062%); highest among the groups gnomAD compares: East Asian, 0.0045%; no homozygotes.

Submission:

Labcorp Genetics (formerly Invitae), Labcorp
Classification: Uncertain significance. Last evaluated: 2022-08-16. Review status: criteria provided, single submitter. Criteria: Invitae Variant Classification Sherloc (09022015). Collection method: clinical testing. Allele origin: germline.
Comment: This sequence change replaces alanine, which is neutral and non-polar, with threonine, which is neutral and polar, at codon 67 of the CNGB1 protein (p.Ala67Thr). This variant is present in population databases (rs779465798, gnomAD 0.005%). This variant has not been reported in the literature in individuals affected with CNGB1-related conditions. Advanced modeling of protein sequence and biophysical properties (such as structural, functional, and spatial information, amino acid conservation, physicochemical variation, residue mobility, and thermodynamic stability) performed at Invitae indicates that this missense variant is not expected to disrupt CNGB1 protein function. In summary, the available evidence is currently insufficient to determine the role of this variant in disease. Therefore, it has been classified as a Variant of Uncertain Significance.